The following is an entry in ClinVar:

ClinVar aggregate classification (germline): Benign/Likely benign. Review status: criteria provided, multiple submitters, no conflicts (2 of 4 stars). 5 submissions from 5 submitters: Benign (1); Likely benign (4). Last evaluated 2026-01-26.

Conditions:
Neuronal ceroid lipofuscinosis 10 (CLN10). Also called: CTSD-Related Neuronal Ceroid-Lipofuscinosis; NEURONAL CEROID LIPOFUSCINOSIS DUE TO CATHEPSIN D DEFICIENCY. Identifiers: Orphanet 228337, MedGen C1864669, MONDO:0012414, OMIM 610127.
Inborn genetic diseases. Identifiers: MedGen C0950123, MeSH D030342.
Neuronal ceroid lipofuscinosis. Also called: Neuronal Ceroid Lipofuscinoses. Identifiers: Orphanet 216, Orphanet 79263, MedGen C0027877, MONDO:0016295. Disease mechanism: loss of function.

Allele frequency attached by ClinVar (database versions not stated): gnomAD 0.00001 and 0.00025; TOPMed 0.00005; gnomAD exomes 0.00040 and 0.00074; 1000 Genomes Project 0.00060; ExAC 0.00084; 1000 Genomes Project 30x 0.00094.
gnomAD v4.1: 621 of 1,612,974 alleles (0.039%); highest among the groups gnomAD compares: South Asian, 0.65%; 5 homozygotes.

Submissions (5):

Labcorp Genetics (formerly Invitae), Labcorp
Classification: Benign for Neuronal ceroid lipofuscinosis. Last evaluated: 2026-01-26. Review status: criteria provided, single submitter. Criteria: Invitae Variant Classification Sherloc (09022015). Collection method: clinical testing. Allele origin: germline.

Blueprint Genetics
Classification: Likely benign. Last evaluated: 2024-11-19. Review status: criteria provided, single submitter. Criteria: ACMG Guidelines, 2015. Collection method: clinical testing. Allele origin: germline.

GeneDx
Classification: Likely benign. Last evaluated: 2020-09-28. Review status: criteria provided, single submitter. Criteria: GeneDx Variant Classification Process June 2021. Collection method: clinical testing. Allele origin: germline. Affected: yes.

Illumina Laboratory Services, Illumina
Classification: Likely benign for Neuronal ceroid lipofuscinosis 10. Last evaluated: 2018-01-12. Review status: criteria provided, single submitter. Criteria: ICSL Variant Classification Criteria 13 December 2019. Collection method: clinical testing. Allele origin: germline.
Comment: This variant was observed in the ICSL laboratory as part of a predisposition screen in an ostensibly healthy population. It had not been previously curated by ICSL or reported in the Human Gene Mutation Database (HGMD: prior to June 1st, 2018), and was therefore a candidate for classification through an automated scoring system. Utilizing variant allele frequency, disease prevalence and penetrance estimates, and inheritance mode, an automated score was calculated to assess if this variant is too frequent to cause the disease. Based on the score and internal cut-off values, a variant classified as likely benign is not then subjected to further curation. The score for this variant resulted in a classification of likely benign for this disease.

Ambry Genetics
Classification: Likely benign for Inborn genetic diseases. Last evaluated: 2017-10-11. Review status: criteria provided, single submitter. Criteria: Ambry Variant Classification Scheme 2023. Collection method: clinical testing. Allele origin: germline.

NM_001909.5(CTSD):c.1116C>T (p.Gly372=)

Gene: CTSD (cathepsin D; minus strand). Cytogenetic location: 11p15.5.
Variant type: single nucleotide variant.
Coding change: c.1116C>T on transcript NM_001909.5 (MANE Select); coding-DNA position 1116, C replaced by T.
Protein change: p.Gly372=; no amino-acid change (glycine 372 retained).
Molecular consequence: synonymous variant.
Genome position (GRCh38, 1-based): chr11:1,753,626, G>A on the plus strand (C>T on the coding strand, the complement: CTSD is on the minus strand). VCF-style: chr11-1753626-G-A. GRCh37 (hg19) VCF-style: chr11-1774856-G-A.
Identifiers: ClinVar variation 303833 (VCV000303833.21), dbSNP rs557342549, ClinGen allele CA5813891.